The following is an entry in ClinVar:

ClinVar aggregate classification (germline): Uncertain significance (1 of 4 stars; one submission).

gnomAD v4.1: 1 of 1,612,920 alleles (0.000062%); highest among the groups gnomAD compares: Non-Finnish European, 0.000085%; no homozygotes.

Submission:

Ambry Genetics
Classification: Uncertain significance. Last evaluated: 2026-07-20. Review status: criteria provided, single submitter. Criteria: Ambry Variant Classification Scheme 2023. Collection method: clinical testing. Allele origin: germline.
Comment: The c.1345A>T (p.T449S) alteration is located in exon 5 (coding exon 4) of the MDC1 gene. This alteration results from a A to T substitution at nucleotide position 1345, causing the threonine (T) at amino acid position 449 to be replaced by a serine (S). Based on data from gnomAD, the T allele has an overall frequency of <0.001% (1/246498) total alleles studied. The highest observed frequency was 0.001% (1/110638) of European (non-Finnish) alleles. Based on insufficient or conflicting evidence, the clinical significance of this alteration remains unclear.

NM_014641.3(MDC1):c.1345A>T (p.Thr449Ser)

Genes: MDC1 (mediator of DNA damage checkpoint 1; minus strand), MDC1-AS1 (MDC1 antisense RNA 1; plus strand). Cytogenetic location: 6p21.33.
Variant type: single nucleotide variant.
Coding change: c.1345A>T on transcript NM_014641.3 (MANE Select); coding-DNA position 1345, A replaced by T.
Protein change: p.Thr449Ser; replaces threonine 449 with serine.
Molecular consequence: missense variant.
Genome position (GRCh38, 1-based): chr6:30,712,597, T>A on the plus strand (A>T on the coding strand, the complement: MDC1 is on the minus strand). VCF-style: chr6-30712597-T-A. GRCh37 (hg19) VCF-style: chr6-30680374-T-A.
Other names: short protein forms T449S.
Identifiers: ClinVar variation 5024099 (VCV005024099.1).